The following is an entry in ClinVar:

ClinVar aggregate classification (germline): Uncertain significance. Review status: criteria provided, multiple submitters, no conflicts (2 of 4 stars). 2 submissions from 2 submitters: Uncertain significance (2). Last evaluated 2025-09-20.

Conditions:
Inborn genetic diseases. Identifiers: MedGen C0950123, MeSH D030342.

gnomAD v4.1: 3 of 1,614,104 alleles (0.00019%); highest among the groups gnomAD compares: Non-Finnish European, 0.00017%; no homozygotes.

Submissions (2):

Ambry Genetics
Classification: Uncertain significance for Inborn genetic diseases. Last evaluated: 2025-09-20. Review status: criteria provided, single submitter. Criteria: Ambry Variant Classification Scheme 2023. Collection method: clinical testing. Allele origin: germline.
Comment: The p.Q940E variant (also known as c.2818C>G), located in coding exon 29 of the FANCA gene, results from a C to G substitution at nucleotide position 2818. The glutamine at codon 940 is replaced by glutamic acid, an amino acid with highly similar properties. This amino acid position is conserved. In addition, this alteration is predicted to be tolerated by in silico analysis. Based on the available evidence, the clinical significance of this variant remains unclear.

Quest Diagnostics Nichols Institute San Juan Capistrano
Classification: Uncertain significance. Last evaluated: 2025-05-29. Review status: criteria provided, single submitter. Criteria: Quest Diagnostics criteria. Collection method: clinical testing. Allele origin: unknown.
Comment: The FANCA c.2818C>G (p.Gln940Glu) variant has not been reported in individuals with FANCA-related conditions in the published literature. The frequency of this variant in the general population (Genome Aggregation Database) is uninformative in the assessment of its pathogenicity. Analysis of this variant using bioinformatics tools for the prediction of the effect of amino acid changes on protein structure and function yielded predictions that this variant is benign. Based on the available information, we are unable to determine the clinical significance of this variant.

NM_000135.4(FANCA):c.2818C>G (p.Gln940Glu)

Gene: FANCA (FA complementation group A; minus strand). Cytogenetic location: 16q24.3.
Variant type: single nucleotide variant.
Coding change: c.2818C>G on transcript NM_000135.4 (MANE Select); coding-DNA position 2818, C replaced by G.
Protein change: p.Gln940Glu; replaces glutamine 940 with glutamic acid.
Molecular consequence: missense variant.
Genome position (GRCh38, 1-based): chr16:89,761,983, G>C on the plus strand (C>G on the coding strand, the complement: FANCA is on the minus strand). VCF-style: chr16-89761983-G-C. GRCh37 (hg19) VCF-style: chr16-89828391-G-C.
Other names: c.2818C>G, p.Gln940Glu (NM_001286167.3); short protein forms Q940E.
Identifiers: ClinVar variation 4532868 (VCV004532868.2).
Genomic context (GRCh38, chr16:89,761,983, plus strand): 5'-CCAGGGTAGCTCTTTTCAACACTTACCGTTCAGTATCTGAAAGAGCATCAGCTTCAGGTT[G>C]AATTTCCAGCTCCAGGTGTAACCAGTCTTGGTAAGTTAACTGAGAAAGAGAGCAAGCAAT-3'
Protein context (NP_000126.2, residues 930-950): QDWLHLELEI[Gln940Glu]PEADALSDTE